The following is an entry in ClinVar:

ClinVar aggregate classification (germline): Likely benign. Review status: criteria provided, multiple submitters, no conflicts (2 of 4 stars). 4 submissions from 4 submitters: Likely benign (4). Last evaluated 2025-12-08.

Conditions:
CHRNA2-related disorder. Also called: CHRNA2-related condition.
Familial sleep-related hypermotor epilepsy. Also called: Autosomal Dominant Sleep-Related Hypermotor (Hyperkinetic) Epilepsy. Identifiers: Orphanet 98784, MedGen C3696898, MONDO:0000030.
Inborn genetic diseases. Identifiers: MedGen C0950123, MeSH D030342.

Allele frequency attached by ClinVar (database versions not stated): gnomAD exomes 0.00006 and 0.00012; gnomAD 0.00011 and 0.00012; ExAC 0.00012; TOPMed 0.00024; 1000 Genomes Project 30x 0.00078; 1000 Genomes Project 0.00080.
gnomAD v4.1: 114 of 1,614,190 alleles (0.0071%); highest among the groups gnomAD compares: Admixed American, 0.033%; no homozygotes.

Submissions (4):

Labcorp Genetics (formerly Invitae), Labcorp
Classification: Likely benign. Last evaluated: 2025-12-08. Review status: criteria provided, single submitter. Criteria: Invitae Variant Classification Sherloc (09022015). Collection method: clinical testing. Allele origin: germline.

PreventionGenetics, part of Exact Sciences
Classification: Likely benign for CHRNA2-related condition. Last evaluated: 2025-08-04. Review status: criteria provided, single submitter. Criteria: ACMG Guidelines, 2015. Collection method: clinical testing. Allele origin: germline.
Comment: This variant is classified as likely benign based on ACMG/AMP sequence variant interpretation guidelines (Richards et al. 2015 PMID: 25741868, with internal and published modifications).

GeneDx
Classification: Likely benign. Last evaluated: 2021-06-21. Review status: criteria provided, single submitter. Criteria: GeneDx Variant Classification Process June 2021. Collection method: clinical testing. Allele origin: germline. Affected: yes.

Ambry Genetics
Classification: Likely benign for Inborn genetic diseases. Last evaluated: 2018-07-26. Review status: criteria provided, single submitter. Criteria: Ambry Variant Classification Scheme 2023. Collection method: clinical testing. Allele origin: germline.

NM_000742.4(CHRNA2):c.246C>T (p.Asp82=)

Gene: CHRNA2 (cholinergic receptor nicotinic alpha 2 subunit; minus strand). Cytogenetic location: 8p21.2.
Variant type: single nucleotide variant.
Coding change: c.246C>T on transcript NM_000742.4 (MANE Select); coding-DNA position 246, C replaced by T.
Protein change: p.Asp82=; no amino-acid change (aspartic acid 82 retained).
Molecular consequence: synonymous variant. On other transcripts: 5 prime UTR variant (4).
Genome position (GRCh38, 1-based): chr8:27,469,809, G>A on the plus strand (C>T on the coding strand, the complement: CHRNA2 is on the minus strand). VCF-style: chr8-27469809-G-A. GRCh37 (hg19) VCF-style: chr8-27327326-G-A.
Other names: c.246C>T, p.Asp82= (NM_001282455.2); c.-182C>T (NM_001347705.2); c.-227C>T (NM_001347706.2); c.-168C>T (NM_001347707.2); c.-216C>T (NM_001347708.2).
Identifiers: ClinVar variation 388375 (VCV000388375.54), dbSNP rs201244136, ClinGen allele CA4689752.